The following is an entry in ClinVar:

NC_000020.11:g.56248729T>C

Gene: MC3R (melanocortin 3 receptor; plus strand). Cytogenetic location: 20q13.2.
Variant type: single nucleotide variant.
Genome position: GRCh38 VCF-style: chr20-56248729-T-C. GRCh37 (hg19) VCF-style: chr20-54823785-T-C.
Identifiers: ClinVar variation 4984362 (VCV004984362.1).

ClinVar aggregate classification (germline): Likely benign (1 of 4 stars; one submission).

Conditions:
MC3R-related disorder. Also called: MC3R-related condition.

Submission:

PreventionGenetics, part of Exact Sciences
Classification: Likely benign for MC3R-related condition. Last evaluated: 2024-11-29. Review status: criteria provided, single submitter. Criteria: ACMG Guidelines, 2015. Collection method: clinical testing. Allele origin: germline.
Comment: This variant is classified as likely benign based on ACMG/AMP sequence variant interpretation guidelines (Richards et al. 2015 PMID: 25741868, with internal and published modifications).